The following is an entry in ClinVar:

ClinVar aggregate classification (germline): Uncertain significance (1 of 4 stars; one submission).

Allele frequency attached by ClinVar (database versions not stated): gnomAD 0.00001; gnomAD exomes 0.00001; TOPMed 0.00001.
gnomAD v4.1: 9 of 1,016,602 alleles (0.00089%); highest among the groups gnomAD compares: African/African-American, 0.0017%; no homozygotes.

Submission:

Labcorp Genetics (formerly Invitae), Labcorp
Classification: Uncertain significance. Last evaluated: 2022-07-06. Review status: criteria provided, single submitter. Criteria: Invitae Variant Classification Sherloc (09022015). Collection method: clinical testing. Allele origin: germline.
Comment: This variant is present in population databases (no rsID available, gnomAD 0.007%). This sequence change replaces alanine, which is neutral and non-polar, with threonine, which is neutral and polar, at codon 31 of the ADAMTS17 protein (p.Ala31Thr). This variant has not been reported in the literature in individuals affected with ADAMTS17-related conditions. ClinVar contains an entry for this variant (Variation ID: 1521496). Algorithms developed to predict the effect of missense changes on protein structure and function are either unavailable or do not agree on the potential impact of this missense change (SIFT: "Not Available"; PolyPhen-2: "Benign"; Align-GVGD: "Not Available"). In summary, the available evidence is currently insufficient to determine the role of this variant in disease. Therefore, it has been classified as a Variant of Uncertain Significance.

NM_139057.4(ADAMTS17):c.91G>A (p.Ala31Thr)

Gene: ADAMTS17 (ADAM metallopeptidase with thrombospondin type 1 motif 17; minus strand). Cytogenetic location: 15q26.3.
Variant type: single nucleotide variant.
Coding change: c.91G>A on transcript NM_139057.4 (MANE Select); coding-DNA position 91, G replaced by A.
Protein change: p.Ala31Thr; replaces alanine 31 with threonine.
Molecular consequence: missense variant.
Genome position (GRCh38, 1-based): chr15:100,341,398, C>T on the plus strand (G>A on the coding strand, the complement: ADAMTS17 is on the minus strand). VCF-style: chr15-100341398-C-T. GRCh37 (hg19) VCF-style: chr15-100881603-C-T.
Other names: short protein forms A31T.
Identifiers: ClinVar variation 1521496 (VCV001521496.5), dbSNP rs1168399553, ClinGen allele CA394525745.